The following is an entry in ClinVar:

NM_014915.3(ANKRD26):c.1216T>C (p.Ser406Pro)

Gene: ANKRD26 (ankyrin repeat domain containing 26; minus strand). Cytogenetic location: 10p12.1.
Variant type: single nucleotide variant.
Coding change: c.1216T>C on transcript NM_014915.3 (MANE Select); coding-DNA position 1216, T replaced by C.
Protein change: p.Ser406Pro; replaces serine 406 with proline.
Molecular consequence: missense variant.
Genome position (GRCh38, 1-based): chr10:27,066,540, A>G on the plus strand (T>C on the coding strand, the complement: ANKRD26 is on the minus strand). VCF-style: chr10-27066540-A-G. GRCh37 (hg19) VCF-style: chr10-27355469-A-G.
Other names: c.1216T>C, p.Ser406Pro (NM_001256053.2); short protein forms S406P.
Identifiers: ClinVar variation 3897130 (VCV003897130.1).

ClinVar aggregate classification (germline): Uncertain significance (1 of 4 stars; one submission).

Submission:

GeneDx
Classification: Uncertain significance. Last evaluated: 2024-11-05. Review status: criteria provided, single submitter. Criteria: GeneDx Variant Classification Process June 2021. Collection method: clinical testing. Allele origin: germline. Affected: yes.
Comment: Not observed at significant frequency in large population cohorts (gnomAD); In silico analysis supports that this missense variant has a deleterious effect on protein structure/function; Has not been previously published as pathogenic or benign to our knowledge